The following is an entry in ClinVar:

ClinVar aggregate classification (germline): Likely pathogenic (1 of 4 stars; one submission).

Conditions:
Familial thoracic aortic aneurysm and aortic dissection (TAAD). Also called: Thoracic aortic aneurysms and dissections. Identifiers: Orphanet 91387, MedGen C4707243, MONDO:0019625.
Marfan syndrome (MFS). Also called: Marfan syndrome type 1; Marfan syndrome, classic; Marfan's syndrome; FBN1-Related Marfan Syndrome; MARFAN SYNDROME, TYPE I. Identifiers: Orphanet 284963, Orphanet 558, MedGen C0024796, MONDO:0007947, OMIM 154700.

Submission:

Labcorp Genetics (formerly Invitae), Labcorp
Classification: Likely pathogenic for Marfan syndrome; Familial thoracic aortic aneurysm and aortic dissection. Last evaluated: 2021-10-26. Review status: criteria provided, single submitter. Criteria: Invitae Variant Classification Sherloc (09022015). Collection method: clinical testing. Allele origin: germline.
Comment: This sequence change replaces asparagine with tyrosine at codon 1504 of the FBN1 protein (p.Asn1504Tyr). The asparagine residue is highly conserved and there is a large physicochemical difference between asparagine and tyrosine. This variant is not present in population databases (ExAC no frequency). This missense change has been observed in individual(s) with clinical features of Marfan syndrome (Invitae). ClinVar contains an entry for this variant (Variation ID: 527168). Advanced modeling of protein sequence and biophysical properties (such as structural, functional, and spatial information, amino acid conservation, physicochemical variation, residue mobility, and thermodynamic stability) performed at Invitae indicates that this missense variant is expected to disrupt FBN1 protein function. This variant disrupts the p.Asn1504 amino acid residue in FBN1. Other variant(s) that disrupt this residue have been determined to be pathogenic (PMID: 27906200; Invitae). This suggests that this residue is clinically significant, and that variants that disrupt this residue are likely to be disease-causing. In summary, the currently available evidence indicates that the variant is pathogenic, but additional data are needed to prove that conclusively. Therefore, this variant has been classified as Likely Pathogenic.

Literature cited by the submitters: PubMed 27906200.

NM_000138.5(FBN1):c.4510A>T (p.Asn1504Tyr)

Gene: FBN1 (fibrillin 1; minus strand). Cytogenetic location: 15q21.1.
Variant type: single nucleotide variant.
Coding change: c.4510A>T on transcript NM_000138.5 (MANE Select); coding-DNA position 4510, A replaced by T.
Protein change: p.Asn1504Tyr; replaces asparagine 1504 with tyrosine.
Molecular consequence: missense variant.
Genome position (GRCh38, 1-based): chr15:48,468,484, T>A on the plus strand (A>T on the coding strand, the complement: FBN1 is on the minus strand). VCF-style: chr15-48468484-T-A. GRCh37 (hg19) VCF-style: chr15-48760681-T-A.
Other names: short protein forms N1504Y.
Identifiers: ClinVar variation 527168 (VCV000527168.2), dbSNP rs1555397211, ClinGen allele CA392353614.